The following is an entry in ClinVar:

ClinVar aggregate classification (germline): Uncertain significance (1 of 4 stars; one submission).

Allele frequency attached by ClinVar (database versions not stated): gnomAD 0.00001; TOPMed 0.00001.
gnomAD v4.1: 1 of 1,614,016 alleles (0.000062%); highest among the groups gnomAD compares: African/African-American, 0.0013%; no homozygotes.

Submission:

Labcorp Genetics (formerly Invitae), Labcorp
Classification: Uncertain significance. Last evaluated: 2022-05-20. Review status: criteria provided, single submitter. Criteria: Invitae Variant Classification Sherloc (09022015). Collection method: clinical testing. Allele origin: germline.
Comment: This variant has not been reported in the literature in individuals affected with SLCO2A1-related conditions. This sequence change replaces leucine, which is neutral and non-polar, with serine, which is neutral and polar, at codon 299 of the SLCO2A1 protein (p.Leu299Ser). This variant is not present in population databases (gnomAD no frequency). Algorithms developed to predict the effect of missense changes on protein structure and function (SIFT, PolyPhen-2, Align-GVGD) all suggest that this variant is likely to be tolerated. In summary, the available evidence is currently insufficient to determine the role of this variant in disease. Therefore, it has been classified as a Variant of Uncertain Significance.

NM_005630.3(SLCO2A1):c.896T>C (p.Leu299Ser)

Gene: SLCO2A1 (solute carrier organic anion transporter family member 2A1; minus strand). Cytogenetic location: 3q22.1.
Variant type: single nucleotide variant.
Coding change: c.896T>C on transcript NM_005630.3 (MANE Select); coding-DNA position 896, T replaced by C.
Protein change: p.Leu299Ser; replaces leucine 299 with serine.
Molecular consequence: missense variant.
Genome position (GRCh38, 1-based): chr3:133,948,937, A>G on the plus strand (T>C on the coding strand, the complement: SLCO2A1 is on the minus strand). VCF-style: chr3-133948937-A-G. GRCh37 (hg19) VCF-style: chr3-133667781-A-G.
Other names: short protein forms L299S.
Identifiers: ClinVar variation 2121184 (VCV002121184.4), dbSNP rs1173112298, ClinGen allele CA354617224.
Genomic context (GRCh38, chr3:133,948,937, plus strand): 5'-CTGTAGGGTCAGTTACGTTTAATGAAATCCACCAGGGAGCCTCTTGACTTGGCCTCCTCC[A>G]ACTTCCTTGCTTCATCTGCTGTGGCAGGAGCCCTCTGAAGGCAATAAAAGGGGTGAGTGT-3'
Protein context (NP_005621.2, residues 289-309): APATADEARK[Leu299Ser]EEAKSRGSLV